The following is an entry in ClinVar:

ClinVar aggregate classification (germline): Pathogenic (1 of 4 stars; one submission).

Conditions:
Hereditary breast ovarian cancer syndrome. Also called: Hereditary breast and ovarian cancer syndrome (HBOC); Breast and ovarian cancer; BRCA1- and BRCA2-Associated Hereditary Breast and Ovarian Cancer; Hereditary breast and ovarian cancer; Hereditary breast and ovarian cancer syndrome; Hereditary breast and/or ovarian cancer syndrome. Identifiers: Orphanet 145, MedGen C0677776, MeSH D061325, MONDO:0003582. Disease mechanism: loss of function.

Submission:

Women's Health and Genetics/Laboratory Corporation of America, LabCorp
Classification: Pathogenic for Hereditary breast ovarian cancer syndrome. Last evaluated: 2024-04-18. Review status: criteria provided, single submitter. Criteria: LabCorp Variant Classification Summary - May 2015. Collection method: clinical testing. Allele origin: germline.
Comment: Variant summary: BRCA2 c.5729_5733delATGAT (p.Asn1910ArgfsX3) results in a premature termination codon, predicted to cause a truncation of the encoded protein or absence of the protein due to nonsense mediated decay, which are commonly known mechanisms for disease. The variant was absent in 250886 control chromosomes (gnomAD). To our knowledge, no occurrence of c.5729_5733delATGAT in individuals affected with Hereditary Breast And Ovarian Cancer Syndrome and no experimental evidence demonstrating its impact on protein function have been reported. No submitters have cited clinical-significance assessments for this variant to ClinVar. Based on the evidence outlined above, the variant was classified as pathogenic.

NM_000059.4(BRCA2):c.5729_5733del (p.Asn1910fs)

Gene: BRCA2 (BRCA2 DNA repair associated; plus strand). Cytogenetic location: 13q13.1.
Variant type: Deletion.
Coding change: c.5729_5733del on transcript NM_000059.4 (MANE Select); coding-DNA positions 5729 to 5733, 5 bases deleted (ATGAT; older notation c.5729_5733delATGAT).
Protein change: p.Asn1910fs; shifts the reading frame from asparagine 1910.
Molecular consequence: frameshift variant. On other transcripts: non-coding transcript variant (1), intron variant (2).
Genome position (GRCh38, 1-based): chr13:32,340,084-32,340,088, ATGAT deleted. VCF-style (leftmost placement, unchanged base first): chr13-32340083-AATGAT-A. GRCh37 (hg19) VCF-style: chr13-32914220-AATGAT-A.
Other names: c.5729_5733delATGAT (NM_000059.4); c.5729_5733del, p.Asn1910fs (NM_001406719.1, NM_001406720.1); c.1910-4474_1910-4470del (NM_001406721.1); c.425-4474_425-4470del (NM_001406722.1); short protein forms N1910fs.
Identifiers: ClinVar variation 3251861 (VCV003251861.1), dbSNP rs2548531605.